The following is an entry in ClinVar:

ClinVar aggregate classification (germline): Uncertain significance. Review status: criteria provided, multiple submitters, no conflicts (2 of 4 stars). 3 submissions from 3 submitters: Uncertain significance (3). Last evaluated 2025-12-31.

Conditions:
Hereditary cancer-predisposing syndrome. Also called: Hereditary Cancer Syndrome; Hereditary neoplastic syndrome; Neoplastic Syndromes, Hereditary; Tumor predisposition. Identifiers: Orphanet 140162, MedGen C0027672, MeSH D009386, MONDO:0015356.

Allele frequency attached by ClinVar (database versions not stated): TOPMed below 0.00001; ExAC 0.00001; gnomAD 0.00001; gnomAD exomes 0.00001.
gnomAD v4.1: 8 of 1,613,494 alleles (0.0005%); highest among the groups gnomAD compares: East Asian, 0.0067%; no homozygotes.

Submissions (3):

Labcorp Genetics (formerly Invitae), Labcorp
Classification: Uncertain significance. Last evaluated: 2025-12-31. Review status: criteria provided, single submitter. Criteria: Invitae Variant Classification Sherloc (09022015). Collection method: clinical testing. Allele origin: germline.
Comment: This sequence change replaces serine, which is neutral and polar, with leucine, which is neutral and non-polar, at codon 1644 of the POLE protein (p.Ser1644Leu). This variant is present in population databases (rs771896231, gnomAD 0.01%). This variant has not been reported in the literature in individuals affected with POLE-related conditions. ClinVar contains an entry for this variant (Variation ID: 405717). Invitae Evidence Modeling of protein sequence and biophysical properties (such as structural, functional, and spatial information, amino acid conservation, physicochemical variation, residue mobility, and thermodynamic stability) indicates that this missense variant is not expected to disrupt POLE protein function with a negative predictive value of 80%. In summary, the available evidence is currently insufficient to determine the role of this variant in disease. Therefore, it has been classified as a Variant of Uncertain Significance.

Ambry Genetics
Classification: Uncertain significance for Hereditary cancer-predisposing syndrome. Last evaluated: 2025-01-15. Review status: criteria provided, single submitter. Criteria: Ambry Variant Classification Scheme 2023. Collection method: clinical testing. Allele origin: germline.
Comment: The p.S1644L variant (also known as c.4931C>T), located in coding exon 37 of the POLE gene, results from a C to T substitution at nucleotide position 4931. The serine at codon 1644 is replaced by leucine, an amino acid with dissimilar properties. This amino acid position is highly conserved in available vertebrate species. In addition, the in silico prediction for this alteration is inconclusive. Based on the available evidence, the clinical significance of this variant remains unclear.

GeneDx
Classification: Uncertain significance. Last evaluated: 2024-02-16. Review status: criteria provided, single submitter. Criteria: GeneDx Variant Classification Process June 2021. Collection method: clinical testing. Allele origin: germline. Affected: yes.
Comment: Not observed at significant frequency in large population cohorts (gnomAD); In silico analysis supports that this missense variant has a deleterious effect on protein structure/function; Has not been previously published as pathogenic or benign to our knowledge; This variant is associated with the following publications: (PMID: 26748215, 29320758)

NM_006231.4(POLE):c.4931C>T (p.Ser1644Leu)

Gene: POLE (DNA polymerase epsilon, catalytic subunit; minus strand). Cytogenetic location: 12q24.33.
Variant type: single nucleotide variant.
Coding change: c.4931C>T on transcript NM_006231.4 (MANE Select); coding-DNA position 4931, C replaced by T.
Protein change: p.Ser1644Leu; replaces serine 1644 with leucine.
Molecular consequence: missense variant.
Genome position (GRCh38, 1-based): chr12:132,642,527, G>A on the plus strand (C>T on the coding strand, the complement: POLE is on the minus strand). VCF-style: chr12-132642527-G-A. GRCh37 (hg19) VCF-style: chr12-133219113-G-A.
Other names: c.4931C>T (NM_006231.2); short protein forms S1644L.
Identifiers: ClinVar variation 405717 (VCV000405717.13), dbSNP rs771896231, ClinGen allele CA6892679.
Genomic context (GRCh38, chr12:132,642,527, plus strand): 5'-CTGGGGACCACTGGCCCACAACGACAGTACTGTGCTCACCTGCTCATCTCGAAGGCCTGC[G>A]ACAGGCAGGTGTCCAGGTTGAGGTAGTGACGGATCATGCGCCGGGCTCCATGGCGCTGCC-3'
Protein context (NP_006222.2, residues 1634-1654): RHYLNLDTCL[Ser1644Leu]QAFEMSRYFH